The following is an entry in ClinVar:

ClinVar aggregate classification (germline): Benign/Likely benign. Review status: criteria provided, multiple submitters, no conflicts (2 of 4 stars). 7 submissions from 7 submitters: Benign (2); Likely benign (5). Last evaluated 2026-01-31.

Conditions:
Fanconi anemia (FA). Also called: Fanconi's anemia. Identifiers: Orphanet 84, MedGen C0015625, MeSH D005199, MONDO:0019391.
Fanconi anemia complementation group I (FANCI). Also called: FANCI-Related Fanconi Anemia. Identifiers: Orphanet 84, MedGen C1836861, MONDO:0012186, OMIM 609053.

Allele frequency attached by ClinVar (database versions not stated): ExAC 0.00126; ESP Exome Variant Server 0.00300; gnomAD 0.00366 and 0.00388; 1000 Genomes Project 30x 0.00406; 1000 Genomes Project 0.00419; TOPMed 0.00440; gnomAD exomes 0.00040 and 0.00099.
gnomAD v4.1: 1,164 of 1,613,996 alleles (0.072%); highest among the groups gnomAD compares: African/African-American, 1.4%; 10 homozygotes.

Submissions (7):

Labcorp Genetics (formerly Invitae), Labcorp
Classification: Benign for Fanconi anemia. Last evaluated: 2026-01-31. Review status: criteria provided, single submitter. Criteria: Invitae Variant Classification Sherloc (09022015). Collection method: clinical testing. Allele origin: germline.

CeGaT Center for Human Genetics Tuebingen
Classification: Likely benign. Last evaluated: 2025-05-01. Review status: criteria provided, single submitter. Criteria: CeGaT Center For Human Genetics Tuebingen Variant Classification Criteria Version 2. Collection method: clinical testing. Allele origin: germline. Affected: yes. Observed: 2 variant alleles.
Comment: FANCI: BP4, BS1

Blueprint Genetics
Classification: Likely benign. Last evaluated: 2024-11-06. Review status: criteria provided, single submitter. Criteria: ACMG Guidelines, 2015. Collection method: clinical testing. Allele origin: germline.

Fulgent Genetics
Classification: Likely benign for Fanconi anemia complementation group I. Last evaluated: 2022-03-24. Review status: criteria provided, single submitter. Criteria: ACMG Guidelines, 2015. Collection method: clinical testing. Allele origin: unknown.

Illumina Laboratory Services, Illumina
Classification: Benign for Fanconi anemia complementation group I. Last evaluated: 2018-01-13. Review status: criteria provided, single submitter. Criteria: ICSL Variant Classification Criteria 13 December 2019. Collection method: clinical testing. Allele origin: germline.
Comment: This variant was observed in the ICSL laboratory as part of a predisposition screen in an ostensibly healthy population. It had not been previously curated by ICSL or reported in the Human Gene Mutation Database (HGMD: prior to June 1st, 2018), and was therefore a candidate for classification through an automated scoring system. Utilizing variant allele frequency, disease prevalence and penetrance estimates, and inheritance mode, an automated score was calculated to assess if this variant is too frequent to cause the disease. Based on the score and internal cut-off values, a variant classified as benign is not then subjected to further curation. The score for this variant resulted in a classification of benign for this disease.

Center for Pediatric Genomic Medicine, Children's Mercy Hospital and Clinics
Classification: Likely benign. Last evaluated: 2017-03-20. Review status: criteria provided, single submitter. Criteria: ACMG Guidelines, 2015. Collection method: clinical testing. Allele origin: germline.

Breakthrough Genomics
Classification: Likely benign. Review status: criteria provided, single submitter. Criteria: ACMG Guidelines, 2015. Collection method: not provided. Allele origin: germline. Inheritance: Autosomal recessive inheritance. Affected: yes.

NM_001113378.2(FANCI):c.2832A>C (p.Arg944Ser)

Gene: FANCI (FA complementation group I; plus strand). Cytogenetic location: 15q26.1.
Variant type: single nucleotide variant.
Coding change: c.2832A>C on transcript NM_001113378.2 (MANE Select); coding-DNA position 2832, A replaced by C.
Protein change: p.Arg944Ser; replaces arginine 944 with serine.
Molecular consequence: missense variant.
Genome position (GRCh38, 1-based): chr15:89,300,328, A>C. VCF-style: chr15-89300328-A-C. GRCh37 (hg19) VCF-style: chr15-89843559-A-C.
Other names: c.2553A>C, p.Arg851Ser (NM_001376910.1); c.2832A>C, p.Arg944Ser (NM_001376911.1); c.2652A>C, p.Arg884Ser (NM_018193.3); short protein forms R944S, R884S, R851S.
Identifiers: ClinVar variation 238319 (VCV000238319.32), dbSNP rs79685648, ClinGen allele CA7723481.
Genomic context (GRCh38, chr15:89,300,328, plus strand): 5'-AAAGAAGACAAGAGTTTCTTTTCCATTCCTAGATGTCACAGATAAGGAAGGAGAAGAGAG[A>C]GAAGATGCAGATGTCAGTGTCACTCAGAGAACAGCATTCCAGATCCGGCAATTTCAGGTG-3'
Protein context (NP_001106849.1, residues 934-954): LDVTDKEGEE[Arg944Ser]EDADVSVTQR